The following is an entry in ClinVar:

NM_001374736.1(DST):c.11762T>G (p.Phe3921Cys)

Gene: DST (dystonin; minus strand). Cytogenetic location: 6p12.1.
Variant type: single nucleotide variant.
Coding change: c.11762T>G on transcript NM_001374736.1 (MANE Select); coding-DNA position 11762, T replaced by G.
Protein change: p.Phe3921Cys; replaces phenylalanine 3921 with cysteine.
Molecular consequence: missense variant.
Genome position (GRCh38, 1-based): chr6:56,598,642, A>C on the plus strand (T>G on the coding strand, the complement: DST is on the minus strand). VCF-style: chr6-56598642-A-C. GRCh37 (hg19) VCF-style: chr6-56463440-A-C.
Other names: c.5405T>G, p.Phe1802Cys (NM_001144769.5); c.4991T>G, p.Phe1664Cys (NM_001144770.2); c.11762T>G, p.Phe3921Cys (NM_001374722.1); c.11129T>G, p.Phe3710Cys (NM_001374729.1); c.4871T>G, p.Phe1624Cys (NM_001374730.1, NM_001386100.1, NM_183380.4); c.11789T>G, p.Phe3930Cys (NM_001374734.1); c.3893T>G, p.Phe1298Cys (NM_015548.5); short protein forms F1298C, F1624C, F1664C, F1802C, F3710C, F3921C, F3930C.
Identifiers: ClinVar variation 1021583 (VCV001021583.7), dbSNP rs1276270340, ClinGen allele CA364529270.

ClinVar aggregate classification (germline): Uncertain significance (1 of 4 stars; one submission).

Conditions:
Hereditary sensory and autonomic neuropathy type 6. Also called: Neuropathy, hereditary sensory and autonomic, type VI; HSAN VI. Identifiers: Orphanet 314381, MedGen C3539003, MONDO:0013839, OMIM 614653.
Epidermolysis bullosa simplex 3, localized or generalized intermediate, with BP230 deficiency (EBS3). Also called: Epidermolysis bullosa simplex due to BP230 deficiency; Epidermolysis bullosa simplex, autosomal recessive 2. Identifiers: Orphanet 412181, MedGen C3809470, MONDO:0014180, OMIM 615425.

Allele frequency attached by ClinVar (database versions not stated): gnomAD exomes below 0.00001; TOPMed below 0.00001; gnomAD 0.00001.

Submission:

Labcorp Genetics (formerly Invitae), Labcorp
Classification: Uncertain significance for Epidermolysis bullosa simplex 3, localized or generalized intermediate, with BP230 deficiency; Hereditary sensory and autonomic neuropathy type 6. Last evaluated: 2024-02-23. Review status: criteria provided, single submitter. Criteria: Invitae Variant Classification Sherloc (09022015). Collection method: clinical testing. Allele origin: germline.
Comment: The DST gene has multiple clinically relevant transcripts. This variant occurs in alternate transcript NM_015548.4, and corresponds to NM_001723.5:c.*16875T>G in the primary transcript. This sequence change replaces phenylalanine, which is neutral and non-polar, with cysteine, which is neutral and slightly polar, at codon 1298 of the DST protein (p.Phe1298Cys). This variant is present in population databases (no rsID available, gnomAD 0.007%). This variant has not been reported in the literature in individuals affected with DST-related conditions. Experimental studies and prediction algorithms are not available or were not evaluated, and the functional significance of this variant is currently unknown. In summary, the available evidence is currently insufficient to determine the role of this variant in disease. Therefore, it has been classified as a Variant of Uncertain Significance.